The following is an entry in ClinVar:

ClinVar aggregate classification (germline): Pathogenic (1 of 4 stars; one submission).

Conditions:
Ataxia-telangiectasia syndrome (AT). Also called: ATAXIA-TELANGIECTASIA, COMPLEMENTATION GROUP A; ATAXIA-TELANGIECTASIA, FRESNO VARIANT; Ataxia-telangiectasia; Ataxia-telangiectasia, complementation group D; AT, COMPLEMENTATION GROUP C; Ataxia-telangiectasia, complementation group E. Identifiers: Orphanet 100, MedGen C0004135, MONDO:0008840, OMIM 208900.

Allele frequency attached by ClinVar (database versions not stated): gnomAD exomes below 0.00001.

Submission:

Labcorp Genetics (formerly Invitae), Labcorp
Classification: Pathogenic for Ataxia-telangiectasia syndrome. Last evaluated: 2017-10-28. Review status: criteria provided, single submitter. Criteria: Invitae Variant Classification Sherloc (09022015). Collection method: clinical testing. Allele origin: germline.
Comment: For these reasons, this variant has been classified as Pathogenic. Loss-of-function variants in ATM are known to be pathogenic (PMID: 23807571, 25614872). This variant has not been reported in the literature in individuals with ATM-related disease. This variant is not present in population databases (ExAC no frequency). This sequence change creates a premature translational stop signal (p.Ile735Asnfs*3) in the ATM gene. It is expected to result in an absent or disrupted protein product.

Literature cited by the submitters: PubMed 23807571; PubMed 25614872.

NM_000051.4(ATM):c.2201_2202insC (p.Ile735fs)

Gene: ATM (ATM serine/threonine kinase; plus strand). Cytogenetic location: 11q22.3.
Variant type: Insertion.
Coding change: c.2201_2202insC on transcript NM_000051.4 (MANE Select); coding-DNA positions 2201 to 2202, C inserted.
Protein change: p.Ile735fs; shifts the reading frame from isoleucine 735.
Molecular consequence: frameshift variant.
Genome position: GRCh38 VCF-style: chr11-108256291-T-TC. GRCh37 (hg19) VCF-style: chr11-108127018-T-TC.
Other names: c.2201_2202insC, p.Ile735fs (NM_001351834.2); short protein forms I735fs.
Identifiers: ClinVar variation 524414 (VCV000524414.5), dbSNP rs1459299108, ClinGen allele CA601696182.